The following is an entry in ClinVar:

NM_006277.3(ITSN2):c.1081+3A>G

Gene: ITSN2 (intersectin 2; minus strand). Cytogenetic location: 2p23.3.
Variant type: single nucleotide variant.
Coding change: c.1081+3A>G on transcript NM_006277.3 (MANE Select); 3 bases into the intron after coding-DNA position 1081, A replaced by G.
Molecular consequence: intron variant.
Genome position (GRCh38, 1-based): chr2:24,301,151, T>C on the plus strand (A>G on the coding strand, the complement: ITSN2 is on the minus strand). VCF-style: chr2-24301151-T-C. GRCh37 (hg19) VCF-style: chr2-24524020-T-C.
Other names: c.1081+3A>G (NM_001348182.2, NM_019595.4, NM_147152.3 and 3 more transcripts); c.1039+3A>G (NM_001348181.2, NM_001348184.2).
Identifiers: ClinVar variation 2004598 (VCV002004598.4), dbSNP rs542878585, ClinGen allele CA43616392.

ClinVar aggregate classification (germline): Uncertain significance (1 of 4 stars; one submission).

Allele frequency attached by ClinVar (database versions not stated): gnomAD exomes below 0.00001; TOPMed below 0.00001.
gnomAD v4.1: 1 of 1,551,402 alleles (0.000064%); highest among the groups gnomAD compares: Non-Finnish European, 0.000089%; no homozygotes.

Submission:

Labcorp Genetics (formerly Invitae), Labcorp
Classification: Uncertain significance. Last evaluated: 2025-06-12. Review status: criteria provided, single submitter. Criteria: Invitae Variant Classification Sherloc (09022015). Collection method: clinical testing. Allele origin: germline.
Comment: This sequence change falls in intron 11 of the ITSN2 gene. It does not directly change the encoded amino acid sequence of the ITSN2 protein. It affects a nucleotide within the consensus splice site. This variant is not present in population databases (gnomAD no frequency). This variant has not been reported in the literature in individuals affected with ITSN2-related conditions. ClinVar contains an entry for this variant (Variation ID: 2004598). Variants that disrupt the consensus splice site are a relatively common cause of aberrant splicing (PMID: 17576681, 9536098). Algorithms developed to predict the effect of sequence changes on RNA splicing suggest that this variant may disrupt the consensus splice site. In summary, the available evidence is currently insufficient to determine the role of this variant in disease. Therefore, it has been classified as a Variant of Uncertain Significance.

Literature cited by the submitters: PubMed 17576681; PubMed 9536098.